The following is an entry in ClinVar:

NM_006922.4(SCN3A):c.5583G>T (p.Leu1861Phe)

Gene: SCN3A (sodium voltage-gated channel alpha subunit 3; minus strand). Cytogenetic location: 2q24.3.
Variant type: single nucleotide variant.
Coding change: c.5583G>T on transcript NM_006922.4 (MANE Select); coding-DNA position 5583, G replaced by T.
Protein change: p.Leu1861Phe; replaces leucine 1861 with phenylalanine.
Molecular consequence: missense variant.
Genome position (GRCh38, 1-based): chr2:165,090,570, C>A on the plus strand (G>T on the coding strand, the complement: SCN3A is on the minus strand). VCF-style: chr2-165090570-C-A. GRCh37 (hg19) VCF-style: chr2-165947080-C-A.
Other names: c.5436G>T, p.Leu1812Phe (NM_001081676.2, NM_001081677.2); short protein forms L1861F, L1812F.
Identifiers: ClinVar variation 403866 (VCV000403866.10), dbSNP rs146618194, ClinGen allele CA1938383.

ClinVar aggregate classification (germline): Uncertain significance (1 of 4 stars; one submission).

Allele frequency attached by ClinVar (database versions not stated): TOPMed 0.00001; gnomAD exomes 0.00001; ExAC 0.00002.
gnomAD v4.1: 7 of 1,613,860 alleles (0.00043%); highest among the groups gnomAD compares: Non-Finnish European, 0.00059%; no homozygotes.

Submission:

Labcorp Genetics (formerly Invitae), Labcorp
Classification: Uncertain significance. Last evaluated: 2023-04-12. Review status: criteria provided, single submitter. Criteria: Invitae Variant Classification Sherloc (09022015). Collection method: clinical testing. Allele origin: germline.
Comment: In summary, the available evidence is currently insufficient to determine the role of this variant in disease. Therefore, it has been classified as a Variant of Uncertain Significance. Advanced modeling of protein sequence and biophysical properties (such as structural, functional, and spatial information, amino acid conservation, physicochemical variation, residue mobility, and thermodynamic stability) has been performed at Invitae for this missense variant, however the output from this modeling did not meet the statistical confidence thresholds required to predict the impact of this variant on SCN3A protein function. ClinVar contains an entry for this variant (Variation ID: 403866). This variant has not been reported in the literature in individuals affected with SCN3A-related conditions. This variant is present in population databases (rs146618194, gnomAD 0.004%). This sequence change replaces leucine, which is neutral and non-polar, with phenylalanine, which is neutral and non-polar, at codon 1861 of the SCN3A protein (p.Leu1861Phe).